The following is an entry in ClinVar:

NM_024664.4(PPCS):c.752A>C (p.Gln251Pro)

Genes: CCDC30 (coiled-coil domain containing 30; plus strand), PPCS (phosphopantothenoylcysteine synthetase; plus strand). Cytogenetic location: 1p34.2.
Variant type: single nucleotide variant.
Coding change: c.752A>C on transcript NM_024664.4 (MANE Select); coding-DNA position 752, A replaced by C.
Protein change: p.Gln251Pro; replaces glutamine 251 with proline.
Molecular consequence: missense variant. On other transcripts: intron variant (2).
Genome position (GRCh38, 1-based): chr1:42,459,742, A>C. VCF-style: chr1-42459742-A-C. GRCh37 (hg19) VCF-style: chr1-42925413-A-C.
Other names: c.233A>C, p.Gln78Pro (NM_001287506.1, NM_001287508.2, NM_001287509.2 and 2 more transcripts); c.134A>C, p.Gln45Pro (NM_001287507.1); c.-880+2392A>C (NM_001355226.2); c.612+2392A>C (NM_001287511.2); short protein forms Q251P, Q45P, Q78P.
Identifiers: ClinVar variation 2160094 (VCV002160094.1), dbSNP rs1021499805, ClinGen allele CA21219221.

ClinVar aggregate classification (germline): Uncertain significance (1 of 4 stars; one submission).

Allele frequency attached by ClinVar (database versions not stated): TOPMed below 0.00001.

Submission:

Labcorp Genetics (formerly Invitae), Labcorp
Classification: Uncertain significance. Last evaluated: 2021-12-24. Review status: criteria provided, single submitter. Criteria: Invitae Variant Classification Sherloc (09022015). Collection method: clinical testing. Allele origin: germline.
Comment: This sequence change replaces glutamine, which is neutral and polar, with proline, which is neutral and non-polar, at codon 251 of the PPCS protein (p.Gln251Pro). This variant is not present in population databases (gnomAD no frequency). This variant has not been reported in the literature in individuals affected with PPCS-related conditions. Algorithms developed to predict the effect of missense changes on protein structure and function (SIFT, PolyPhen-2, Align-GVGD) all suggest that this variant is likely to be tolerated. In summary, the available evidence is currently insufficient to determine the role of this variant in disease. Therefore, it has been classified as a Variant of Uncertain Significance.